The following is an entry in ClinVar:

ClinVar aggregate classification (germline): Conflicting classifications of pathogenicity. Review status: criteria provided, conflicting classifications (1 of 4 stars). 3 submissions from 3 submitters: Uncertain significance (1); Likely benign (2). Last evaluated 2025-07-31.

Conditions:
Inborn genetic diseases. Identifiers: MedGen C0950123, MeSH D030342.

Allele frequency attached by ClinVar (database versions not stated): gnomAD exomes 0.00003 and 0.00006; ExAC 0.00009; gnomAD 0.00027 and 0.00030; TOPMed 0.00029; ESP Exome Variant Server 0.00050.
gnomAD v4.1: 86 of 1,614,140 alleles (0.0053%); highest among the groups gnomAD compares: African/African-American, 0.1%; no homozygotes.

Submissions (3):

Labcorp Genetics (formerly Invitae), Labcorp
Classification: Uncertain significance. Last evaluated: 2025-07-31. Review status: criteria provided, single submitter. Criteria: Invitae Variant Classification Sherloc (09022015). Collection method: clinical testing. Allele origin: germline.
Comment: This sequence change replaces aspartic acid, which is acidic and polar, with asparagine, which is neutral and polar, at codon 1938 of the GPR179 protein (p.Asp1938Asn). This variant is present in population databases (rs202208376, gnomAD 0.1%). This variant has not been reported in the literature in individuals affected with GPR179-related conditions. ClinVar contains an entry for this variant (Variation ID: 1524923). An algorithm developed to predict the effect of missense changes on protein structure and function outputs the following: PolyPhen-2: "Benign". The asparagine amino acid residue is found in multiple mammalian species, which suggests that this missense change does not adversely affect protein function. In summary, the available evidence is currently insufficient to determine the role of this variant in disease. Therefore, it has been classified as a Variant of Uncertain Significance.

Ambry Genetics
Classification: Likely benign for Inborn genetic diseases. Last evaluated: 2023-05-08. Review status: criteria provided, single submitter. Criteria: Ambry Variant Classification Scheme 2023. Collection method: clinical testing. Allele origin: germline.

Blueprint Genetics
Classification: Likely benign. Last evaluated: 2022-12-23. Review status: criteria provided, single submitter. Criteria: ACMG Guidelines, 2015. Collection method: clinical testing. Allele origin: germline.

NM_001004334.4(GPR179):c.5812G>A (p.Asp1938Asn)

Gene: GPR179 (G protein-coupled receptor 179; minus strand). Cytogenetic location: 17q12.
Variant type: single nucleotide variant.
Coding change: c.5812G>A on transcript NM_001004334.4 (MANE Select); coding-DNA position 5812, G replaced by A.
Protein change: p.Asp1938Asn; replaces aspartic acid 1938 with asparagine.
Molecular consequence: missense variant.
Genome position (GRCh38, 1-based): chr17:38,327,757, C>T on the plus strand (G>A on the coding strand, the complement: GPR179 is on the minus strand). VCF-style: chr17-38327757-C-T. GRCh37 (hg19) VCF-style: chr17-36483640-C-T.
Other names: c.5812G>A (NM_001004334.2); short protein forms D1938N.
Identifiers: ClinVar variation 1524923 (VCV001524923.8), dbSNP rs202208376, ClinGen allele CA290103324.